The following is an entry in ClinVar:

ClinVar aggregate classification (germline): Uncertain significance (1 of 4 stars; one submission).

Allele frequency attached by ClinVar (database versions not stated): TOPMed below 0.00001.

Submission:

Labcorp Genetics (formerly Invitae), Labcorp
Classification: Uncertain significance. Last evaluated: 2021-04-16. Review status: criteria provided, single submitter. Criteria: Invitae Variant Classification Sherloc (09022015). Collection method: clinical testing. Allele origin: germline.
Comment: In summary, the available evidence is currently insufficient to determine the role of this variant in disease. Therefore, it has been classified as a Variant of Uncertain Significance. Experimental studies and prediction algorithms are not available or were not evaluated, and the functional significance of this variant is currently unknown. This variant has not been reported in the literature in individuals with COL18A1-related conditions. This variant is not present in population databases (ExAC no frequency). This sequence change replaces lysine with glutamic acid at codon 1228 of the COL18A1 protein (p.Lys1228Glu). The lysine residue conservation is not available and there is a small physicochemical difference between lysine and glutamic acid.

NM_001379500.1(COL18A1):c.3691A>G (p.Lys1231Glu)

Genes: COL18A1 (collagen type XVIII alpha 1 chain; plus strand), SLC19A1 (solute carrier family 19 member 1; minus strand). Cytogenetic location: 21q22.3.
Variant type: single nucleotide variant.
Coding change: c.3691A>G on transcript NM_001379500.1 (MANE Select); coding-DNA position 3691, A replaced by G.
Protein change: p.Lys1231Glu; replaces lysine 1231 with glutamic acid.
Molecular consequence: missense variant.
Genome position (GRCh38, 1-based): chr21:45,510,259, A>G. VCF-style: chr21-45510259-A-G. GRCh37 (hg19) VCF-style: chr21-46930173-A-G.
Other names: c.4222A>G, p.Lys1408Glu (NM_030582.4); c.4927A>G, p.Lys1643Glu (NM_130444.3); short protein forms K1408E, K1643E, K1231E.
Identifiers: ClinVar variation 1467769 (VCV001467769.4), dbSNP rs1297781996, ClinGen allele CA410501821.